The following is an entry in ClinVar:

ClinVar aggregate classification (germline): Benign (0 of 4 stars; one submission).

Conditions:
ESRP1-related disorder. Also called: ESRP1-related condition.

Allele frequency attached by ClinVar (database versions not stated): TOPMed 0.00015; gnomAD 0.00078; gnomAD exomes 0.00127; ExAC 0.00322; 1000 Genomes Project 30x 0.00625; 1000 Genomes Project 0.00699.

Submissions (2):

PreventionGenetics, part of Exact Sciences
Classification: Benign for ESRP1-related condition. Last evaluated: 2019-07-02. Review status: no assertion criteria provided. Collection method: clinical testing. Allele origin: germline.
Comment: This variant is classified as benign based on ACMG/AMP sequence variant interpretation guidelines (Richards et al. 2015 PMID: 25741868, with internal and published modifications).

Dr. Peter K. Rogan Lab, Western University
No classification provided (evidence only). Condition: Thymoma. Review status: no classification provided. Collection method: in vitro. Allele origin: not applicable. Functional consequence: retained intron. Not counted in ClinVar's aggregate classification.

NM_017697.4(ESRP1):c.941A>G (p.Asn314Ser)

Gene: ESRP1 (epithelial splicing regulatory protein 1; plus strand). Cytogenetic location: 8q22.1.
Variant type: single nucleotide variant.
Coding change: c.941A>G on transcript NM_017697.4 (MANE Select); coding-DNA position 941, A replaced by G.
Protein change: p.Asn314Ser; replaces asparagine 314 with serine.
Molecular consequence: missense variant.
Genome position (GRCh38, 1-based): chr8:94,667,958, A>G. VCF-style: chr8-94667958-A-G. GRCh37 (hg19) VCF-style: chr8-95680186-A-G.
Other names: NC_000008.10:g.95680186A>G; c.941A>G, p.Asn314Ser (NM_001034915.3, NM_001122825.2, NM_001122826.2 and 1 more transcripts); short protein forms N314S.
Identifiers: ClinVar variation 3043299 (VCV003043299.3), dbSNP rs558995753, ClinGen allele CA4812179.